The following is an entry in ClinVar:

NM_001458.5(FLNC):c.3964G>C (p.Gly1322Arg)

Gene: FLNC (filamin C; plus strand). Cytogenetic location: 7q32.1.
Variant type: single nucleotide variant.
Coding change: c.3964G>C on transcript NM_001458.5 (MANE Select); coding-DNA position 3964, G replaced by C.
Protein change: p.Gly1322Arg; replaces glycine 1322 with arginine.
Molecular consequence: missense variant.
Genome position (GRCh38, 1-based): chr7:128,846,163, G>C. VCF-style: chr7-128846163-G-C. GRCh37 (hg19) VCF-style: chr7-128486217-G-C.
Other names: c.3964G>C, p.Gly1322Arg (NM_001127487.2); short protein forms G1322R.
Identifiers: ClinVar variation 2942916 (VCV002942916.3), dbSNP rs2536641257, ClinGen allele CA369198823.
Genomic context (GRCh38, chr7:128,846,163, plus strand): 5'-ACCTATGTGACAGACAATGGGGACGGCACCTACCGAGTGCAGTACACCGCCTACGAGGAG[G>C]GTGAGGGCCGGTGGGCCAGGCTAGTGGGCAGGGCTGGGCAAGTGGGCAGGGCCGGGATCT-3'
Protein context (NP_001449.3, residues 1312-1332): YRVQYTAYEE[Gly1322Arg]VHLVEVLYDE

ClinVar aggregate classification (germline): Uncertain significance (1 of 4 stars; one submission).

Conditions:
Hypertrophic cardiomyopathy 26. Also called: Cardiomyopathy, familial hypertrophic, 26. Identifiers: Orphanet 75249, MedGen C4310749, MONDO:0014883, OMIM 617047.
Myofibrillar myopathy 5. Also called: Filaminopathy (type); FILAMINOPATHY, AUTOSOMAL DOMINANT. Identifiers: Orphanet 171445, MedGen C1836050, MONDO:0012289, OMIM 609524.
Distal myopathy with posterior leg and anterior hand involvement. Also called: WILLIAMS DISTAL MYOPATHY. Identifiers: Orphanet 63273, MedGen C3279722, MONDO:0013550, OMIM 614065.

Submission:

Labcorp Genetics (formerly Invitae), Labcorp
Classification: Uncertain significance for Distal myopathy with posterior leg and anterior hand involvement; Myofibrillar myopathy 5; Hypertrophic cardiomyopathy 26. Last evaluated: 2025-12-29. Review status: criteria provided, single submitter. Criteria: Invitae Variant Classification Sherloc (09022015). Collection method: clinical testing. Allele origin: germline.
Comment: This sequence change replaces glycine, which is neutral and non-polar, with arginine, which is basic and polar, at codon 1322 of the FLNC protein (p.Gly1322Arg). This variant also falls at the last nucleotide of exon 22, which is part of the consensus splice site for this exon. This variant is not present in population databases (gnomAD no frequency). This variant has not been reported in the literature in individuals affected with FLNC-related conditions. ClinVar contains an entry for this variant (Variation ID: 2942916). An algorithm developed to predict the effect of missense changes on protein structure and function (PolyPhen-2) suggests that this variant is likely to be disruptive. Variants that disrupt the consensus splice site are a relatively common cause of aberrant splicing (PMID: 17576681, 9536098). Algorithms developed to predict the effect of sequence changes on RNA splicing suggest that this variant may disrupt the consensus splice site. In summary, the available evidence is currently insufficient to determine the role of this variant in disease. Therefore, it has been classified as a Variant of Uncertain Significance.

Literature cited by the submitters: PubMed 17576681; PubMed 9536098.